The following is an entry in ClinVar:

NM_003239.5(TGFB3):c.411del (p.Ser138fs)

Gene: TGFB3 (transforming growth factor beta 3; minus strand). Cytogenetic location: 14q24.3.
Variant type: Deletion.
Coding change: c.411del on transcript NM_003239.5 (MANE Select); coding-DNA position 411, one base deleted (C; older notation c.411delC).
Protein change: p.Ser138fs; shifts the reading frame from serine 138.
Molecular consequence: frameshift variant.
Genome position (GRCh38, 1-based): chr14:75,971,660, G deleted on the plus strand (C on the coding strand, the reverse complement: TGFB3 is on the minus strand); the first of 2 consecutive G bases (chr14:75,971,660-75,971,661); deleting either gives the same sequence. VCF-style (leftmost placement, unchanged base first): chr14-75971659-AG-A. GRCh37 (hg19) VCF-style: chr14-76438002-AG-A.
Other names: c.411del, p.Ser138fs (NM_001329938.2, NM_001329939.2); short protein forms S138fs.
Identifiers: ClinVar variation 1031323 (VCV001031323.1), dbSNP rs2035295129, ClinGen allele CA2147725159.
Genomic context (GRCh38, chr14:75,971,659, plus strand): 5'-TGGGCACCCGCAAGACCCGGAATTCTGCTCGGAATAGGTTGGTTCTATTTTTCTCCACTG[AG>A]GACACATTGAAGCGGAAAACCTTGGAGGTAATTCCTTTAGGGCAGACAGCCAGTTCGTCT-3'

ClinVar aggregate classification (germline): Pathogenic (1 of 4 stars; one submission).

Conditions:
Arrhythmogenic right ventricular dysplasia 1. Identifiers: Orphanet 3403, MedGen C1862511, MONDO:0007152, OMIM 107970.

Submission:

Baylor Genetics
Classification: Pathogenic for Arrhythmogenic right ventricular dysplasia 1. Last evaluated: 2018-11-20. Review status: criteria provided, single submitter. Criteria: ACMG Guidelines, 2015. Collection method: clinical testing. Allele origin: maternal. Affected: yes.
Comment: This variant was determined to be pathogenic according to ACMG Guidelines, 2015 [PMID:25741868].